The following is an entry in ClinVar:

NM_016284.5(CNOT1):c.4434+195del

Gene: CNOT1 (CCR4-NOT transcription complex subunit 1; minus strand). Cytogenetic location: 16q21.
Variant type: Deletion.
Coding change: c.4434+195del on transcript NM_016284.5 (MANE Select); 195 bases into the intron after coding-DNA position 4434, one base deleted (T; older notation c.4434+195delT).
Molecular consequence: intron variant. On other transcripts: frameshift variant (1).
Genome position (GRCh38, 1-based): chr16:58,543,412, A deleted on the plus strand (T on the coding strand, the reverse complement: CNOT1 is on the minus strand); the first of 13 consecutive A bases (chr16:58,543,412-58,543,424); deleting any one gives the same sequence. VCF-style (leftmost placement, unchanged base first): chr16-58543411-GA-G. GRCh37 (hg19) VCF-style: chr16-58577315-GA-G.
Other names: c.4629del, p.Leu1544fs (NM_206999.3); c.4419+195del (NM_001265612.2); short protein forms L1544fs.
Identifiers: ClinVar variation 402549 (VCV000402549.7), dbSNP rs5817153, ClinGen allele CA8089137.

ClinVar aggregate classification (germline): Benign. Review status: criteria provided, multiple submitters, no conflicts (2 of 4 stars). 3 submissions from 3 submitters: Benign (3). Last evaluated 2025-02-16.

Submissions (3):

Laboratory of Genetics, Children's Clinical University Hospital Latvia
Classification: Benign. Last evaluated: 2025-02-16. Review status: criteria provided, single submitter. Criteria: ACMG Guidelines, 2015. Collection method: clinical testing. Allele origin: germline. Affected: yes.

GeneDx
Classification: Benign. Last evaluated: 2021-01-19. Review status: criteria provided, single submitter. Criteria: GeneDx Variant Classification Process June 2021. Collection method: clinical testing. Allele origin: germline. Affected: yes.

Laboratory for Molecular Medicine, Mass General Brigham Personalized Medicine
Classification: Benign. Last evaluated: 2016-03-28. Review status: criteria provided, single submitter. Criteria: LMM Criteria. Collection method: clinical testing. Allele origin: germline.
Comment: Variant identified in a genome or exome case(s) and assessed due to predicted null impact of the variant or pathogenic assertions in the literature or databases. Disclaimer: This variant has not undergone full assessment. The following are preliminary notes: ExAC frequency